The following is an entry in ClinVar:

NM_002972.4(SBF1):c.2488A>T (p.Ile830Phe)

Gene: SBF1 (SET binding factor 1; minus strand). Cytogenetic location: 22q13.33.
Variant type: single nucleotide variant.
Coding change: c.2488A>T on transcript NM_002972.4 (MANE Select); coding-DNA position 2488, A replaced by T.
Protein change: p.Ile830Phe; replaces isoleucine 830 with phenylalanine.
Molecular consequence: missense variant.
Genome position (GRCh38, 1-based): chr22:50,462,028, T>A on the plus strand (A>T on the coding strand, the complement: SBF1 is on the minus strand). VCF-style: chr22-50462028-T-A. GRCh37 (hg19) VCF-style: chr22-50900457-T-A.
Other names: c.2491A>T, p.Ile831Phe (NM_001365819.1, NM_001410794.1); c.2488A>T, p.Ile830Phe (NM_001410795.1, NM_197971.1); short protein forms I830F, I831F.
Identifiers: ClinVar variation 2132285 (VCV002132285.4), dbSNP rs1466990466, ClinGen allele CA412209313.

ClinVar aggregate classification (germline): Uncertain significance (1 of 4 stars; one submission).

Submission:

Labcorp Genetics (formerly Invitae), Labcorp
Classification: Uncertain significance. Last evaluated: 2022-04-30. Review status: criteria provided, single submitter. Criteria: Invitae Variant Classification Sherloc (09022015). Collection method: clinical testing. Allele origin: germline.
Comment: Algorithms developed to predict the effect of missense changes on protein structure and function are either unavailable or do not agree on the potential impact of this missense change (SIFT: "Deleterious"; PolyPhen-2: "Possibly Damaging"; Align-GVGD: "Class C0"). In summary, the available evidence is currently insufficient to determine the role of this variant in disease. Therefore, it has been classified as a Variant of Uncertain Significance. This variant has not been reported in the literature in individuals affected with SBF1-related conditions. This sequence change replaces isoleucine, which is neutral and non-polar, with phenylalanine, which is neutral and non-polar, at codon 830 of the SBF1 protein (p.Ile830Phe). This variant is not present in population databases (gnomAD no frequency).